The following is an entry in ClinVar:

NM_021098.3(CACNA1H):c.3599A>C (p.Asp1200Ala)

Gene: CACNA1H (calcium voltage-gated channel subunit alpha1 H; plus strand). Cytogenetic location: 16p13.3.
Variant type: single nucleotide variant.
Coding change: c.3599A>C on transcript NM_021098.3 (MANE Select); coding-DNA position 3599, A replaced by C.
Protein change: p.Asp1200Ala; replaces aspartic acid 1200 with alanine.
Molecular consequence: missense variant.
Genome position (GRCh38, 1-based): chr16:1,209,267, A>C. VCF-style: chr16-1209267-A-C. GRCh37 (hg19) VCF-style: chr16-1259267-A-C.
Other names: c.3599A>C, p.Asp1200Ala (NM_001005407.2); short protein forms D1200A.
Identifiers: ClinVar variation 529616 (VCV000529616.9), dbSNP rs1555515661, ClinGen allele CA394174105.

ClinVar aggregate classification (germline): Uncertain significance. Review status: criteria provided, multiple submitters, no conflicts (2 of 4 stars). 2 submissions from 2 submitters: Uncertain significance (2). Last evaluated 2018-06-04.

Conditions:
Epilepsy, childhood absence, susceptibility to, 6. Identifiers: Orphanet 64280, MedGen C2749872, MONDO:0012763, OMIM 611942.
Idiopathic generalized epilepsy. Also called: EIG; Generalised epilepsy. Identifiers: MedGen C0270850, MONDO:0005579, OMIM 600669.
Hyperaldosteronism, familial, type IV (HALD4). Also called: FH IV; ALDOSTERONISM, PRIMARY, AND HYPERTENSION. Identifiers: Orphanet 642671, MedGen C4310756, MONDO:0014875, OMIM 617027.

Allele frequency attached by ClinVar (database versions not stated): gnomAD exomes below 0.00001; TOPMed below 0.00001.
gnomAD v4.1: 1 of 1,552,500 alleles (0.000064%); highest among the groups gnomAD compares: East Asian, 0.0024%; no homozygotes.

Submissions (2):

Baylor Genetics
Classification: Uncertain significance for Epilepsy, childhood absence, susceptibility to, 6. Last evaluated: 2018-06-04. Review status: criteria provided, single submitter. Criteria: ACMG Guidelines, 2015. Collection method: clinical testing. Allele origin: unknown. Affected: yes.
Comment: This variant was determined to be of uncertain significance according to ACMG Guidelines, 2015 [PMID:25741868].

Labcorp Genetics (formerly Invitae), Labcorp
Classification: Uncertain significance for Idiopathic generalized epilepsy; Hyperaldosteronism, familial, type IV. Last evaluated: 2017-09-03. Review status: criteria provided, single submitter. Criteria: Invitae Variant Classification Sherloc (09022015). Collection method: clinical testing. Allele origin: germline.
Comment: In summary, the available evidence is currently insufficient to determine the role of this variant in disease. Therefore, it has been classified as a Variant of Uncertain Significance. Algorithms developed to predict the effect of missense changes on protein structure and function (SIFT, PolyPhen-2, Align-GVGD) all suggest that this variant is likely to be tolerated, but these predictions have not been confirmed by published functional studies and their clinical significance is uncertain. This variant has not been reported in the literature in individuals with CACNA1H-related disease. While this variant is not present in population databases, the frequency information is unreliable, as metrics indicate poor data quality at this position in the ExAC database. This sequence change replaces aspartic acid with alanine at codon 1200 of the CACNA1H protein (p.Asp1200Ala). The aspartic acid residue is moderately conserved and there is a moderate physicochemical difference between aspartic acid and alanine.